The following is an entry in ClinVar:

ClinVar aggregate classification (germline): Pathogenic. Review status: criteria provided, multiple submitters, no conflicts (2 of 4 stars). 3 submissions from 3 submitters: Pathogenic (3). Last evaluated 2024-10-04.

Conditions:
ITGB4-related disorder. Also called: ITGB4-related condition.

Submissions (3):

PreventionGenetics, part of Exact Sciences
Classification: Pathogenic for ITGB4-related condition. Last evaluated: 2024-10-04. Review status: criteria provided, single submitter. Criteria: ACMG Guidelines, 2015. Collection method: clinical testing. Allele origin: germline.
Comment: The ITGB4 c.4631_4632delTC variant is predicted to result in a frameshift and premature protein termination (p.Leu1544Glnfs*27). This variant has been reported in the homozygous state in individuals with junctional epidermolysis bullosa with pyloric atresia (Verma eta al. 2020. PubMed ID: 32359087; reported as 4790delTC in Nakano et al. 2001. PubMed ID: 11328943). This variant is reported in 0.0033% of alleles in individuals of South Asian descent in gnomAD. Frameshift variants in ITGB4 are expected to be pathogenic. This variant is interpreted as pathogenic.

Labcorp Genetics (formerly Invitae), Labcorp
Classification: Pathogenic. Last evaluated: 2024-03-07. Review status: criteria provided, single submitter. Criteria: Invitae Variant Classification Sherloc (09022015). Collection method: clinical testing. Allele origin: germline.
Comment: This sequence change creates a premature translational stop signal (p.Leu1474Glnfs*27) in the ITGB4 gene. It is expected to result in an absent or disrupted protein product. Loss-of-function variants in ITGB4 are known to be pathogenic (PMID: 11328943, 16473856). This variant is present in population databases (rs780295902, gnomAD 0.003%). This premature translational stop signal has been observed in individual(s) with epidermolysis bullosa (PMID: 1328943). This variant is also known as 4790delTC. For these reasons, this variant has been classified as Pathogenic.

Blueprint Genetics
Classification: Pathogenic for ITGB4-related disorders. Last evaluated: 2019-09-18. Review status: criteria provided, single submitter. Criteria: ACMG Guidelines, 2015. Collection method: clinical testing. Allele origin: germline. Affected: yes. Observed: 1 variant allele.

Literature cited by the submitters: PubMed 11328943 (cited by Labcorp Genetics (formerly Invitae), Labcorp); PubMed 16473856 (cited by Labcorp Genetics (formerly Invitae), Labcorp); PubMed 1328943 (cited by Labcorp Genetics (formerly Invitae), Labcorp).

NM_000213.5(ITGB4):c.4631_4632del (p.Leu1544fs)

Genes: GALK1 (galactokinase 1; minus strand), ITGB4 (integrin subunit beta 4; plus strand). Cytogenetic location: 17q25.1.
Variant type: Microsatellite.
Coding change: c.4631_4632del on transcript NM_000213.5 (MANE Select); coding-DNA positions 4631 to 4632, 2 bases deleted (TC; older notation c.4631_4632delTC).
Protein change: p.Leu1544fs; shifts the reading frame from leucine 1544.
Molecular consequence: frameshift variant. On other transcripts: intron variant (2).
Genome position (GRCh38, 1-based): chr17:75,755,773-75,755,774, TC deleted; deleting any 2 consecutive bases within chr17:75,755,769-75,755,774 gives the same sequence; the c. name uses the placement nearest the transcript's 3' end. VCF-style (leftmost placement, unchanged base first): chr17-75755768-ATC-A. GRCh37 (hg19) VCF-style: chr17-73751849-ATC-A.
Other names: c.4580_4581del, p.Leu1527fs (NM_001005619.2); c.4421_4422del, p.Leu1474fs (NM_001005731.3, NM_001321123.2); c.4349-660TC[2] (NM_001438834.1); c.*22+2260GA[2] (NM_001381985.1); short protein forms L1474fs, L1544fs, L1527fs.
Identifiers: ClinVar variation 2736651 (VCV002736651.5), dbSNP rs780295902, ClinGen allele CA8770256.